The following is an entry in ClinVar:

ClinVar aggregate classification (germline): Uncertain significance (1 of 4 stars; one submission).

Submission:

Labcorp Genetics (formerly Invitae), Labcorp
Classification: Uncertain significance. Last evaluated: 2024-07-31. Review status: criteria provided, single submitter. Criteria: Invitae Variant Classification Sherloc (09022015). Collection method: clinical testing. Allele origin: germline.
Comment: This sequence change replaces glycine, which is neutral and non-polar, with cysteine, which is neutral and slightly polar, at codon 1038 of the CARMIL2 protein (p.Gly1038Cys). The frequency data for this variant in the population databases is considered unreliable, as metrics indicate insufficient coverage at this position in the gnomAD database. This variant has not been reported in the literature in individuals affected with CARMIL2-related conditions. Advanced modeling of protein sequence and biophysical properties (such as structural, functional, and spatial information, amino acid conservation, physicochemical variation, residue mobility, and thermodynamic stability) performed at Invitae indicates that this missense variant is not expected to disrupt CARMIL2 protein function with a negative predictive value of 80%. In summary, the available evidence is currently insufficient to determine the role of this variant in disease. Therefore, it has been classified as a Variant of Uncertain Significance.

NM_001013838.3(CARMIL2):c.3112G>T (p.Gly1038Cys)

Gene: CARMIL2 (capping protein regulator and myosin 1 linker 2; plus strand). Cytogenetic location: 16q22.1.
Variant type: single nucleotide variant.
Coding change: c.3112G>T on transcript NM_001013838.3 (MANE Select); coding-DNA position 3112, G replaced by T.
Protein change: p.Gly1038Cys; replaces glycine 1038 with cysteine.
Molecular consequence: missense variant.
Genome position (GRCh38, 1-based): chr16:67,653,246, G>T. VCF-style: chr16-67653246-G-T. GRCh37 (hg19) VCF-style: chr16-67687149-G-T.
Other names: c.3004G>T, p.Gly1002Cys (NM_001317026.3); short protein forms G1002C, G1038C.
Identifiers: ClinVar variation 3661028 (VCV003661028.2).